The following is an entry in ClinVar:

ClinVar aggregate classification (germline): Pathogenic/Likely pathogenic. Review status: criteria provided, multiple submitters, no conflicts (2 of 4 stars). 5 submissions from 5 submitters: Pathogenic (1); Likely pathogenic (3). 1 of the submissions does not count toward it. Last evaluated 2026-09-08.

Conditions:
Fabry disease. Also called: GLA DEFICIENCY; HEREDITARY DYSTOPIC LIPIDOSIS; Fabry's disease; Angiokeratoma corporis diffusum; Ceramide trihexosidosis; ALPHA-GALACTOSIDASE A DEFICIENCY. Identifiers: Orphanet 324, MedGen C0002986, MONDO:0010526, OMIM 301500, HP:0001071. Disease mechanism: loss of function, Fabry disease is due to inactivating mutations in the X-linked GLA gene resulting in deficiency of the enzyme Alpha Galactosidase-A..

Submissions (5):

Genomenon, Inc
Classification: Likely pathogenic for Fabry disease. Last evaluated: 2026-09-08. Review status: criteria provided, single submitter. Criteria: Genomenon Sequence Variant Interpretation Standards - Updated. Collection method: curation. Allele origin: germline. Affected: yes.
Comment: GLA p.Gly360Arg (c.1078G>C) is a missense variant that changes the amino acid at codon 360 from Glycine to Arginine. This variant has been observed in at least one proband with clinical features consistent with Fabry disease (PMID:32418857). Functional or patient cell studies have been reported (PMID:32531501). The presence of pathogenic/likely pathogenic missense variant(s) at the same amino acid position indicates that this residue is likely important for protein function. It is absent or not present at a significant frequency in gnomAD. In silico models predict that this variant is possibly or probably damaging. In conclusion, we classify GLA p.Gly360Arg (c.1078G>C) as a likely pathogenic variant.

Labcorp Genetics (formerly Invitae), Labcorp
Classification: Likely pathogenic for Fabry disease. Last evaluated: 2025-11-01. Review status: criteria provided, single submitter. Criteria: Invitae Variant Classification Sherloc (09022015). Collection method: clinical testing. Allele origin: germline.
Comment: This sequence change replaces glycine, which is neutral and non-polar, with arginine, which is basic and polar, at codon 360 of the GLA protein (p.Gly360Arg). This variant is not present in population databases (gnomAD no frequency). This missense change has been observed in individual(s) with Fabry disease (PMID: 31634893, 32418857). ClinVar contains an entry for this variant (Variation ID: 222139). Invitae Evidence Modeling of protein sequence and biophysical properties (such as structural, functional, and spatial information, amino acid conservation, physicochemical variation, residue mobility, and thermodynamic stability) indicates that this missense variant is expected to disrupt GLA protein function with a positive predictive value of 95%. This variant disrupts the p.Gly360 amino acid residue in GLA. Other variant(s) that disrupt this residue have been determined to be pathogenic (PMID: 19621417, 28615118). This suggests that this residue is clinically significant, and that variants that disrupt this residue are likely to be disease-causing. In summary, the currently available evidence indicates that the variant is pathogenic, but additional data are needed to prove that conclusively. Therefore, this variant has been classified as Likely Pathogenic.

Revvity Omics, Revvity
Classification: Pathogenic. Last evaluated: 2025-03-07. Review status: criteria provided, single submitter. Criteria: ACMG Guidelines, 2015. Collection method: clinical testing. Allele origin: germline.

Women's Health and Genetics/Laboratory Corporation of America, LabCorp
Classification: Likely pathogenic for Fabry disease. Last evaluated: 2023-01-13. Review status: criteria provided, single submitter. Criteria: LabCorp Variant Classification Summary - May 2015. Collection method: clinical testing. Allele origin: germline.
Comment: Variant summary: GLA c.1078G>C (p.Gly360Arg) results in a non-conservative amino acid change located in the Alpha galactosidase A, C-terminal beta-sandwich domain (IPR035373) of the encoded protein sequence. Five of five in-silico tools predict a damaging effect of the variant on protein function. The variant was absent in 183351 control chromosomes (gnomAD). c.1078G>C was also reported in additional patients by Stiles et al (2020). Both of these studies considered the variant to have a pathogenic role. Several other variants at Glycine 360 and 361 (e.g. p.G360D, p.G360C, p.G360S, p.G361R, p.G361E) have been cited in ClinVar and HGMD as pathogenic and disease-associated, indicating that this protein region and amino acid residue are important for protein function. These data indicate that the variant is likely to be associated with disease. To our knowledge, no experimental evidence demonstrating an impact on protein function has been reported. One clinical diagnostic laboratory has submitted clinical-significance assessments for this variant to ClinVar after 2014 without evidence for independent evaluation and classified the variant as uncertain significance. Based on the evidence outlined above, the variant was classified as likely pathogenic.

Eurofins Ntd Llc (ga)
Classification: Uncertain significance. Last evaluated: 2017-08-04. Review status: flagged submission. Criteria: EGL Classification Definitions 2015. Collection method: clinical testing. Allele origin: germline. Observed: 1 variant allele, 1 hemizygote. Not counted in ClinVar's aggregate classification.
ClinVar note: Reason: Older and outlier claim with insufficient supporting evidence

Literature cited by the submitters: PubMed 32418857 (cited by 3 submitters); PubMed 32531501 (cited by Genomenon, Inc and Women's Health and Genetics/Laboratory Corporation of America, LabCorp); PubMed 31634893 (cited by Labcorp Genetics (formerly Invitae), Labcorp and Women's Health and Genetics/Laboratory Corporation of America, LabCorp); PubMed 19621417 (cited by Labcorp Genetics (formerly Invitae), Labcorp); PubMed 28615118 (cited by Labcorp Genetics (formerly Invitae), Labcorp).

NM_000169.3(GLA):c.1078G>C (p.Gly360Arg)

Genes: GLA (galactosidase alpha; minus strand), RPL36A-HNRNPH2 (RPL36A-HNRNPH2 readthrough; plus strand). Cytogenetic location: Xq22.1.
Variant type: single nucleotide variant.
Coding change: c.1078G>C on transcript NM_000169.3 (MANE Select); coding-DNA position 1078, G replaced by C.
Protein change: p.Gly360Arg; replaces glycine 360 with arginine.
Molecular consequence: missense variant. On other transcripts: non-coding transcript variant (3), intron variant (2).
Genome position (GRCh38, 1-based): chrX:101,398,021, C>G on the plus strand (G>C on the coding strand, the complement: GLA is on the minus strand). VCF-style: chrX-101398021-C-G. GRCh37 (hg19) VCF-style: chrX-100653009-C-G.
Other names: c.1201G>C, p.Gly401Arg (NM_001406747.1); c.300+2564C>G (NM_001199973.2); c.177+6199C>G (NM_001199974.2); short protein forms G360R, G401R.
Identifiers: ClinVar variation 222139 (VCV000222139.26), dbSNP rs782598150, ClinGen allele CA352316.